The following is an entry in ClinVar:

NM_001481.3(DRC4):c.1269G>A (p.Glu423=)

Gene: DRC4 (dynein regulatory complex subunit 4; plus strand). Cytogenetic location: 16q24.3.
Variant type: single nucleotide variant.
Coding change: c.1269G>A on transcript NM_001481.3 (MANE Select); coding-DNA position 1269, G replaced by A.
Protein change: p.Glu423=; no amino-acid change (glutamic acid 423 retained).
Molecular consequence: synonymous variant.
Genome position (GRCh38, 1-based): chr16:90,042,517, G>A. VCF-style: chr16-90042517-G-A. GRCh37 (hg19) VCF-style: chr16-90108925-G-A.
Other names: c.1020G>A, p.Glu340= (NM_001286205.2); c.693G>A, p.Glu231= (NM_001286208.2); c.1194G>A, p.Glu398= (NM_001286209.2).
Identifiers: ClinVar variation 3030874 (VCV003030874.2), dbSNP rs1476026915, ClinGen allele CA497196810.
Genomic context (GRCh38, chr16:90,042,517, plus strand): 5'-TCTCTCTCCTCAGGATGTTCTTGAGTCGAAGAACAGCACCATCAAGGACCTGCAGTATGA[G>A]CTGGCCCAGGTCTGTAAGGTACGGCTGTGCCCTGCCCTCCCTCAGGGGCACCCCCTCGGT-3'
Protein context (NP_001472.1, residues 413-433): KNSTIKDLQY[Glu423=]LAQVCKAHND

ClinVar aggregate classification (germline): Likely benign (0 of 4 stars; one submission).

Conditions:
GAS8-related disorder. Also called: GAS8-related condition.

Allele frequency attached by ClinVar (database versions not stated): gnomAD exomes below 0.00001.
gnomAD v4.1: 2 of 1,613,790 alleles (0.00012%); highest among the groups gnomAD compares: Non-Finnish European, 0.00017%; no homozygotes.

Submission:

PreventionGenetics, part of Exact Sciences
Classification: Likely benign for GAS8-related condition. Last evaluated: 2021-02-22. Review status: no assertion criteria provided. Collection method: clinical testing. Allele origin: germline.
Comment: This variant is classified as likely benign based on ACMG/AMP sequence variant interpretation guidelines (Richards et al. 2015 PMID: 25741868, with internal and published modifications).